The following is an entry in ClinVar:

NM_004006.3(DMD):c.10087-16A>G

Gene: DMD (dystrophin; minus strand). Cytogenetic location: Xp21.2.
Variant type: single nucleotide variant.
Coding change: c.10087-16A>G on transcript NM_004006.3 (MANE Select); 16 bases into the intron before coding-DNA position 10087, A replaced by G.
Molecular consequence: intron variant.
Genome position (GRCh38, 1-based): chrX:31,178,821, T>C on the plus strand (A>G on the coding strand, the complement: DMD is on the minus strand). VCF-style: chrX-31178821-T-C. GRCh37 (hg19) VCF-style: chrX-31196938-T-C.
Other names: c.10063-16A>G (NM_000109.4); c.6064-16A>G (NM_004011.4); c.6055-16A>G (NM_004012.4); c.2707-16A>G (NM_004023.3, NM_004020.4, NM_004022.3 and 2 more transcripts); c.1900-16A>G (NM_004014.3); c.883-16A>G (NM_004018.3, NM_004017.3, NM_004016.3 and 2 more transcripts); c.10075-16A>G (NM_004009.3); c.9718-16A>G (NM_004010.3).
Identifiers: ClinVar variation 513376 (VCV000513376.5), dbSNP rs934570843, ClinGen allele CA328405450.
Genomic context (GRCh38, chrX:31,178,821, plus strand): 5'-TTTTAGTACCTTGGCAAAGTCTCGAACATCTTCTCCTGATGTAGTCTAAAAGGGAGATCA[T>C]GGTGAGATCAGATTTAGGACAGGATGATTTCAAAACTAATGACCACTCCAGTCTTCTGCC-3'

ClinVar aggregate classification (germline): Likely benign. Review status: criteria provided, multiple submitters, no conflicts (2 of 4 stars). 3 submissions from 3 submitters: Likely benign (3). Last evaluated 2025-05-13.

Conditions:
Duchenne muscular dystrophy (DMD). Also called: MUSCULAR DYSTROPHY, PSEUDOHYPERTROPHIC PROGRESSIVE, DUCHENNE TYPE; Duchenne Muscular Dystrophy (DMD). Identifiers: Orphanet 98896, MedGen C0013264, MONDO:0010679, OMIM 310200.

Allele frequency attached by ClinVar (database versions not stated): TOPMed below 0.00001; gnomAD exomes 0.00001.
gnomAD v4.1: 4 of 1,208,765 alleles (0.00033%); highest among the groups gnomAD compares: East Asian, 0.0059%; no homozygotes.

Submissions (3):

Labcorp Genetics (formerly Invitae), Labcorp
Classification: Likely benign for Duchenne muscular dystrophy. Last evaluated: 2025-05-13. Review status: criteria provided, single submitter. Criteria: Invitae Variant Classification Sherloc (09022015). Collection method: clinical testing. Allele origin: germline.

Blueprint Genetics
Classification: Likely benign. Last evaluated: 2022-09-01. Review status: criteria provided, single submitter. Criteria: ACMG Guidelines, 2015. Collection method: clinical testing. Allele origin: germline.

GeneDx
Classification: Likely benign. Last evaluated: 2017-11-16. Review status: criteria provided, single submitter. Criteria: GeneDx Variant Classification (06012015). Collection method: clinical testing. Allele origin: germline. Affected: yes.
Comment: This variant is considered likely benign or benign based on one or more of the following criteria: it is a conservative change, it occurs at a poorly conserved position in the protein, it is predicted to be benign by multiple in silico algorithms, and/or has population frequency not consistent with disease.